The following is an entry in ClinVar:

ClinVar aggregate classification (germline): Benign/Likely benign. Review status: criteria provided, multiple submitters, no conflicts (2 of 4 stars). 3 submissions from 3 submitters: Benign (1); Likely benign (2). Last evaluated 2024-07-15.

Conditions:
Hereditary cancer-predisposing syndrome. Also called: Hereditary neoplastic syndrome; Neoplastic Syndromes, Hereditary; Hereditary Cancer Syndrome; Tumor predisposition. Identifiers: Orphanet 140162, MedGen C0027672, MeSH D009386, MONDO:0015356.
Familial cancer of breast. Also called: BREAST CANCER, FAMILIAL; hereditary breast carcinoma; Hereditary breast cancer. Identifiers: Orphanet 227535, MedGen C0346153, MONDO:0016419, OMIM 114480. Disease mechanism: loss of function.
Ataxia-telangiectasia syndrome (AT). Also called: LOUIS-BAR SYNDROME; Cerebello-oculocutaneous telangiectasia; Immunodeficiency with ataxia telangiectasia; AT, COMPLEMENTATION GROUP C; Ataxia-telangiectasia, complementation group D; ATAXIA-TELANGIECTASIA, COMPLEMENTATION GROUP A. Identifiers: Orphanet 100, MedGen C0004135, MONDO:0008840, OMIM 208900.

Submissions (3):

Labcorp Genetics (formerly Invitae), Labcorp
Classification: Likely benign for Ataxia-telangiectasia syndrome. Last evaluated: 2024-07-15. Review status: criteria provided, single submitter. Criteria: Invitae Variant Classification Sherloc (09022015). Collection method: clinical testing. Allele origin: germline.

Myriad Genetics, Inc.
Classification: Benign for Familial cancer of breast. Last evaluated: 2024-05-23. Review status: criteria provided, single submitter. Criteria: Myriad Autosomal Dominant, Autosomal Recessive and X-Linked Classification Criteria (2023). Collection method: clinical testing. Allele origin: unknown.
Comment: This variant is considered benign. This variant is a silent/synonymous amino acid change and it is not expected to impact splicing.

Ambry Genetics
Classification: Likely benign for Hereditary cancer-predisposing syndrome. Last evaluated: 2024-05-04. Review status: criteria provided, single submitter. Criteria: Ambry Variant Classification Scheme 2023. Collection method: clinical testing. Allele origin: germline.

NM_000051.4(ATM):c.5425C>T (p.Leu1809=)

Gene: ATM (ATM serine/threonine kinase; plus strand). Cytogenetic location: 11q22.3.
Variant type: single nucleotide variant.
Coding change: c.5425C>T on transcript NM_000051.4 (MANE Select); coding-DNA position 5425, C replaced by T.
Protein change: p.Leu1809=; no amino-acid change (leucine 1809 retained).
Molecular consequence: synonymous variant.
Genome position (GRCh38, 1-based): chr11:108,302,958, C>T. VCF-style: chr11-108302958-C-T. GRCh37 (hg19) VCF-style: chr11-108173685-C-T.
Other names: c.5425C>T, p.Leu1809= (NM_001351834.2).
Identifiers: ClinVar variation 3254242 (VCV003254242.4), dbSNP rs2135929542.
Genomic context (GRCh38, chr11:108,302,958, plus strand): 5'-CTGGATGATATAAATCTGTGGATTCCTCTAAGTGAAAATCATGACATTTGGATAAAGACA[C>T]TGACTTGTGCTTTTTTGGACAGTGGAGGCACAAAATGTGAAATTCTTCAATTATTAAAGC-3'
Protein context (NP_000042.3, residues 1799-1819): SENHDIWIKT[Leu1809=]TCAFLDSGGT